The following is an entry in ClinVar:

NM_005902.4(SMAD3):c.846_848del (p.Val283del)

Gene: SMAD3 (SMAD family member 3; plus strand). Cytogenetic location: 15q22.33.
Variant type: Deletion.
Coding change: c.846_848del on transcript NM_005902.4 (MANE Select); coding-DNA positions 846 to 848, 3 bases deleted (AGT; older notation c.846_848delAGT).
Protein change: p.Val283del; deletes valine 283.
Genome position (GRCh38, 1-based): chr15:67,181,428-67,181,430, AGT deleted. VCF-style (leftmost placement, unchanged base first): chr15-67181427-CAGT-C. GRCh37 (hg19) VCF-style: chr15-67473765-CAGT-C.
Other names: c.531_533del, p.Val178del (NM_001145102.2, NM_001407016.1); c.714_716del, p.Val239del (NM_001145103.2, NM_001407012.1); c.261_263del, p.Val88del (NM_001145104.2, NM_001407017.1); c.846_848del, p.Val283del (NM_001407011.1, NM_001407013.1); c.699_701del, p.Val234del (NM_001407014.1); c.399_401del, p.Val134del (NM_001407015.1); short protein forms V283del, V178del, V88del, V134del, V234del, V239del.
Identifiers: ClinVar variation 3651813 (VCV003651813.2).

ClinVar aggregate classification (germline): Uncertain significance (1 of 4 stars; one submission).

Conditions:
Familial thoracic aortic aneurysm and aortic dissection (TAAD). Also called: Thoracic aortic aneurysms and dissections. Identifiers: Orphanet 91387, MedGen C4707243, MONDO:0019625.

Submission:

Labcorp Genetics (formerly Invitae), Labcorp
Classification: Uncertain significance for Familial thoracic aortic aneurysm and aortic dissection. Last evaluated: 2024-05-01. Review status: criteria provided, single submitter. Criteria: Invitae Variant Classification Sherloc (09022015). Collection method: clinical testing. Allele origin: germline.
Comment: This variant, c.846_848del, results in the deletion of 1 amino acid(s) of the SMAD3 protein (p.Val283del), but otherwise preserves the integrity of the reading frame. This variant is not present in population databases (gnomAD no frequency). This variant has not been reported in the literature in individuals affected with SMAD3-related conditions. Experimental studies and prediction algorithms are not available or were not evaluated, and the functional significance of this variant is currently unknown. In summary, the available evidence is currently insufficient to determine the role of this variant in disease. Therefore, it has been classified as a Variant of Uncertain Significance.